The following is an entry in ClinVar:

NM_005618.4(DLL1):c.1957G>A (p.Ala653Thr)

Genes: DLL1 (delta like canonical Notch ligand 1; minus strand), LOC126859913 (P300/CBP strongly-dependent group 1 enhancer GRCh37_chr6:170591232-170592431; plus strand). Cytogenetic location: 6q27.
Variant type: single nucleotide variant.
Coding change: c.1957G>A on transcript NM_005618.4 (MANE Select); coding-DNA position 1957, G replaced by A.
Protein change: p.Ala653Thr; replaces alanine 653 with threonine.
Molecular consequence: missense variant.
Genome position (GRCh38, 1-based): chr6:170,283,322, C>T on the plus strand (G>A on the coding strand, the complement: DLL1 is on the minus strand). VCF-style: chr6-170283322-C-T. GRCh37 (hg19) VCF-style: chr6-170592410-C-T.
Other names: c.1957G>A (NM_005618.3); short protein forms A653T.
Identifiers: ClinVar variation 2160196 (VCV002160196.5), dbSNP rs769028878, ClinGen allele CA4106671.

ClinVar aggregate classification (germline): Conflicting classifications of pathogenicity. Review status: criteria provided, conflicting classifications (1 of 4 stars). 2 submissions from 2 submitters: Uncertain significance (1); Likely benign (1). Last evaluated 2025-03-25.

Conditions:
Inborn genetic diseases. Identifiers: MedGen C0950123, MeSH D030342.

Allele frequency attached by ClinVar (database versions not stated): gnomAD 0.00003; gnomAD exomes 0.00005; ExAC 0.00009.
gnomAD v4.1: 73 of 1,613,066 alleles (0.0045%); highest among the groups gnomAD compares: South Asian, 0.052%; no homozygotes.

Submissions (2):

Labcorp Genetics (formerly Invitae), Labcorp
Classification: Uncertain significance. Last evaluated: 2025-03-25. Review status: criteria provided, single submitter. Criteria: Invitae Variant Classification Sherloc (09022015). Collection method: clinical testing. Allele origin: germline.
Comment: This sequence change replaces alanine, which is neutral and non-polar, with threonine, which is neutral and polar, at codon 653 of the DLL1 protein (p.Ala653Thr). This variant is present in population databases (rs769028878, gnomAD 0.06%), and has an allele count higher than expected for a pathogenic variant. This missense change has been observed in individual(s) with autism spectrum disorder and/or developmental disorder (PMID: 33057194, 35982159, 35982160). ClinVar contains an entry for this variant (Variation ID: 2160196). An algorithm developed to predict the effect of missense changes on protein structure and function outputs the following: PolyPhen-2: "Benign". The threonine amino acid residue is found in multiple mammalian species, which suggests that this missense change does not adversely affect protein function. In summary, the available evidence is currently insufficient to determine the role of this variant in disease. Therefore, it has been classified as a Variant of Uncertain Significance.

Ambry Genetics
Classification: Likely benign for Inborn genetic diseases. Last evaluated: 2022-05-27. Review status: criteria provided, single submitter. Criteria: Ambry Variant Classification Scheme 2023. Collection method: clinical testing. Allele origin: germline.

Literature cited by the submitters: PubMed 33057194 (cited by Labcorp Genetics (formerly Invitae), Labcorp); PubMed 35982159 (cited by Labcorp Genetics (formerly Invitae), Labcorp); PubMed 35982160 (cited by Labcorp Genetics (formerly Invitae), Labcorp).